The following is an entry in ClinVar:

NM_004525.3(LRP2):c.8453-11T>C

Gene: LRP2 (LDL receptor related protein 2; minus strand). Cytogenetic location: 2q31.1.
Variant type: single nucleotide variant.
Coding change: c.8453-11T>C on transcript NM_004525.3 (MANE Select); 11 bases into the intron before coding-DNA position 8453, T replaced by C.
Molecular consequence: intron variant.
Genome position (GRCh38, 1-based): chr2:169,198,922, A>G on the plus strand (T>C on the coding strand, the complement: LRP2 is on the minus strand). VCF-style: chr2-169198922-A-G. GRCh37 (hg19) VCF-style: chr2-170055432-A-G.
Identifiers: ClinVar variation 332126 (VCV000332126.18), dbSNP rs11898106, ClinGen allele CA1953848.

ClinVar aggregate classification (germline): Benign. Review status: criteria provided, multiple submitters, no conflicts (2 of 4 stars). 5 submissions from 5 submitters: Benign (5). Last evaluated 2026-02-04.

Conditions:
Donnai-Barrow syndrome. Also called: DBS/FOAR SYNDROME; FACIOOCULOACOUSTICORENAL SYNDROME. Identifiers: Orphanet 2143, MedGen C1857277, MONDO:0009104, OMIM 222448.

Allele frequency attached by ClinVar (database versions not stated): gnomAD exomes 0.00809 and 0.02096; ExAC 0.02583; gnomAD 0.08123 and 0.08732; ESP Exome Variant Server 0.08904; 1000 Genomes Project 0.09345; TOPMed 0.09360; 1000 Genomes Project 30x 0.09713.
gnomAD v4.1: 24,816 of 1,612,056 alleles (1.5%); highest among the groups gnomAD compares: African/African-American, 28%; 3,182 homozygotes.

Submissions (6):

Labcorp Genetics (formerly Invitae), Labcorp
Classification: Benign. Last evaluated: 2026-02-04. Review status: criteria provided, single submitter. Criteria: Invitae Variant Classification Sherloc (09022015). Collection method: clinical testing. Allele origin: germline.

Genome-Nilou Lab
Classification: Benign for Donnai-Barrow syndrome. Last evaluated: 2021-07-15. Review status: criteria provided, single submitter. Criteria: ACMG Guidelines, 2015. Collection method: clinical testing. Allele origin: germline. Affected: no.

GeneDx
Classification: Benign. Last evaluated: 2020-03-14. Review status: criteria provided, single submitter. Criteria: GeneDx Variant Classification Process June 2021. Collection method: clinical testing. Allele origin: germline. Affected: yes.

Illumina Laboratory Services, Illumina
Classification: Benign for Donnai-Barrow syndrome. Last evaluated: 2018-01-12. Review status: criteria provided, single submitter. Criteria: ICSL Variant Classification Criteria 13 December 2019. Collection method: clinical testing. Allele origin: germline.
Comment: This variant was observed in the ICSL laboratory as part of a predisposition screen in an ostensibly healthy population. It had not been previously curated by ICSL or reported in the Human Gene Mutation Database (HGMD: prior to June 1st, 2018), and was therefore a candidate for classification through an automated scoring system. Utilizing variant allele frequency, disease prevalence and penetrance estimates, and inheritance mode, an automated score was calculated to assess if this variant is too frequent to cause the disease. Based on the score and internal cut-off values, a variant classified as benign is not then subjected to further curation. The score for this variant resulted in a classification of benign for this disease.

Breakthrough Genomics
Classification: Benign. Review status: criteria provided, single submitter. Criteria: ACMG Guidelines, 2015. Collection method: not provided. Allele origin: germline. Inheritance: Autosomal recessive inheritance. Affected: yes.

Dr. Peter K. Rogan Lab, Western University
No classification provided (evidence only). Condition: Gastric cancer. Review status: no classification provided. Collection method: in vitro. Allele origin: not applicable. Functional consequence: retained intron. Not counted in ClinVar's aggregate classification.